The following is an entry in ClinVar:

NM_012452.3(TNFRSF13B):c.16C>T (p.Arg6Trp)

Gene: TNFRSF13B (TNF receptor superfamily member 13B; minus strand). Cytogenetic location: 17p11.2.
Variant type: single nucleotide variant.
Coding change: c.16C>T on transcript NM_012452.3 (MANE Select); coding-DNA position 16, C replaced by T.
Protein change: p.Arg6Trp; replaces arginine 6 with tryptophan.
Molecular consequence: missense variant.
Genome position (GRCh38, 1-based): chr17:16,972,060, G>A on the plus strand (C>T on the coding strand, the complement: TNFRSF13B is on the minus strand). VCF-style: chr17-16972060-G-A. GRCh37 (hg19) VCF-style: chr17-16875374-G-A.
Other names: short protein forms R6W.
Identifiers: ClinVar variation 863611 (VCV000863611.4), dbSNP rs768911609, ClinGen allele CA8414170.

ClinVar aggregate classification (germline): Uncertain significance (1 of 4 stars; one submission).

Conditions:
Immunodeficiency, common variable, 2 (CVID2). Also called: ANTIBODY DEFICIENCY DUE TO TACI DEFECT; HYPOGAMMAGLOBULINEMIA DUE TO TACI DEFICIENCY. Identifiers: Orphanet 1572, MedGen C3150354, MONDO:0009413, OMIM 240500.

Allele frequency attached by ClinVar (database versions not stated): TOPMed below 0.00001; ExAC 0.00001; gnomAD below 0.00001 and 0.00001; gnomAD exomes 0.00001.
gnomAD v4.1: 22 of 1,613,856 alleles (0.0014%); highest among the groups gnomAD compares: South Asian, 0.014%; 1 homozygote.

Submission:

Labcorp Genetics (formerly Invitae), Labcorp
Classification: Uncertain significance for Immunodeficiency, common variable, 2. Last evaluated: 2022-06-27. Review status: criteria provided, single submitter. Criteria: Invitae Variant Classification Sherloc (09022015). Collection method: clinical testing. Allele origin: germline.
Comment: This sequence change replaces arginine, which is basic and polar, with tryptophan, which is neutral and slightly polar, at codon 6 of the TNFRSF13B protein (p.Arg6Trp). This variant is present in population databases (rs768911609, gnomAD 0.006%). This variant has not been reported in the literature in individuals affected with TNFRSF13B-related conditions. ClinVar contains an entry for this variant (Variation ID: 863611). Algorithms developed to predict the effect of missense changes on protein structure and function output the following: SIFT: "Deleterious"; PolyPhen-2: "Not Available"; Align-GVGD: "Class C0". The tryptophan amino acid residue is found in multiple mammalian species, which suggests that this missense change does not adversely affect protein function. In summary, the available evidence is currently insufficient to determine the role of this variant in disease. Therefore, it has been classified as a Variant of Uncertain Significance.